The following is an entry in ClinVar:

ClinVar aggregate classification (germline): Uncertain significance (1 of 4 stars; one submission).

Conditions:
ITSN1-related disorder. Also called: ITSN1-related condition.

gnomAD v4.1: 66 of 1,587,184 alleles (0.0042%); highest among the groups gnomAD compares: Non-Finnish European, 0.0051%; no homozygotes.

Submission:

PreventionGenetics, part of Exact Sciences
Classification: Uncertain significance for ITSN1-related condition. Last evaluated: 2024-11-13. Review status: criteria provided, single submitter. Criteria: ACMG Guidelines, 2015. Collection method: clinical testing. Allele origin: germline.
Comment: The ITSN1 c.1250G>A variant is predicted to result in the amino acid substitution p.Arg417Gln. To our knowledge, this variant has not been reported in the literature. This variant is reported in 0.0036% of alleles in individuals of Latino descent in gnomAD. At this time, the clinical significance of this variant is uncertain due to the absence of conclusive functional and genetic evidence.

NM_003024.3(ITSN1):c.1250G>A (p.Arg417Gln)

Gene: ITSN1 (intersectin 1; plus strand). Cytogenetic location: 21q22.11.
Variant type: single nucleotide variant.
Coding change: c.1250G>A on transcript NM_003024.3 (MANE Select); coding-DNA position 1250, G replaced by A.
Protein change: p.Arg417Gln; replaces arginine 417 with glutamine.
Molecular consequence: missense variant.
Genome position (GRCh38, 1-based): chr21:33,772,268, G>A. VCF-style: chr21-33772268-G-A. GRCh37 (hg19) VCF-style: chr21-35144572-G-A.
Other names: c.1250G>A, p.Arg417Gln (NM_001001132.2, NM_001331008.2, NM_001331009.2 and 2 more transcripts); c.1139G>A, p.Arg380Gln (NM_001331012.2); short protein forms R417Q, R380Q.
Identifiers: ClinVar variation 4979043 (VCV004979043.1).
Genomic context (GRCh38, chr21:33,772,268, plus strand): 5'-AGCGCCAGGAGCAAGAGCGCAAAAGACAACTGGAACTGGAGAAGCAACTGGAAAAGCAGC[G>A]GGAGCTAGAACGGCAGAGAGAGGAGGAGAGGAGGAAAGAAATTGAGAGGCGAGAGGTAAG-3'
Protein context (NP_003015.2, residues 407-427): LELEKQLEKQ[Arg417Gln]ELERQREEER